The following is an entry in ClinVar:

NM_138413.4(HOGA1):c.200T>G (p.Phe67Cys)

Gene: HOGA1 (4-hydroxy-2-oxoglutarate aldolase 1; plus strand). Cytogenetic location: 10q24.2.
Variant type: single nucleotide variant.
Coding change: c.200T>G on transcript NM_138413.4 (MANE Select); coding-DNA position 200, T replaced by G.
Protein change: p.Phe67Cys; replaces phenylalanine 67 with cysteine.
Molecular consequence: missense variant.
Genome position (GRCh38, 1-based): chr10:97,584,903, T>G. VCF-style: chr10-97584903-T-G. GRCh37 (hg19) VCF-style: chr10-99344660-T-G.
Other names: c.200T>G, p.Phe67Cys (NM_001134670.2); short protein forms F67C.
Identifiers: ClinVar variation 2664092 (VCV002664092.1), dbSNP rs369191992, ClinGen allele CA212658831.

ClinVar aggregate classification (germline): Uncertain significance (1 of 4 stars; one submission).

Conditions:
Primary hyperoxaluria type 3. Also called: PH III. Identifiers: Orphanet 416, Orphanet 93600, MedGen C3150878, MONDO:0013327, OMIM 613616. Disease mechanism: loss of function.

Allele frequency attached by ClinVar (database versions not stated): TOPMed below 0.00001; ESP Exome Variant Server 0.00008.

Submission:

Rare Kidney Stone Consortium and the Mayo Clinic Hyperoxaluria Center, Mayo Clinic
Classification: Uncertain significance for Primary hyperoxaluria type 3. Last evaluated: 2023-10-27. Review status: criteria provided, single submitter. Criteria: ACMG Guidelines, 2015. Collection method: curation. Allele origin: germline.
Comment: ACMG: PM1 PP3 BP1

Literature cited by the submitters: PubMed 25644115.